The following is an entry in ClinVar:

ClinVar aggregate classification (germline): Uncertain significance (1 of 4 stars; one submission).

Submission:

Mayo Clinic Laboratories, Mayo Clinic
Classification: Uncertain significance. Last evaluated: 2023-06-07. Review status: criteria provided, single submitter. Criteria: ACMG Guidelines, 2015. Collection method: clinical testing. Allele origin: germline. Observed: 1 variant allele.
Comment: PM2, PM4

Literature cited by the submitters: PubMed 18513683.

NM_001128225.3(SLC39A13):c.446_475del (p.Gln149_Ile159delinsLeu)

Gene: SLC39A13 (solute carrier family 39 member 13; plus strand). Cytogenetic location: 11p11.2.
Variant type: Deletion.
Coding change: c.446_475del on transcript NM_001128225.3 (MANE Select); coding-DNA positions 446 to 475, 30 bases deleted (AACAGCTGGGGCTGTGGGTCATTGCTGGCA).
Protein change: p.Gln149_Ile159delinsLeu.
Molecular consequence: inframe indel. On other transcripts: non-coding transcript variant (1).
Genome position (GRCh38, 1-based): chr11:47,412,376-47,412,405, AACAGCTGGGGCTGTGGGTCATTGCTGGCA deleted. VCF-style (leftmost placement, unchanged base first): chr11-47412375-CAACAGCTGGGGCTGTGGGTCATTGCTGGCA-C. GRCh37 (hg19) VCF-style: chr11-47433926-CAACAGCTGGGGCTGTGGGTCATTGCTGGCA-C.
Other names: p.Gln149_Ile159delinsLeu; c.446_475del, p.Gln149_Ile159delinsLeu (NM_001330245.2, NM_152264.5).
Identifiers: ClinVar variation 3380017 (VCV003380017.1).